The following is an entry in ClinVar:

NM_000311.5(PRNP):c.497T>C (p.Met166Thr)

Gene: PRNP (prion protein (Kanno blood group); plus strand). Cytogenetic location: 20p13.
Variant type: single nucleotide variant.
Coding change: c.497T>C on transcript NM_000311.5 (MANE Select); coding-DNA position 497, T replaced by C.
Protein change: p.Met166Thr; replaces methionine 166 with threonine.
Molecular consequence: missense variant. On other transcripts: 3 prime UTR variant (1).
Genome position (GRCh38, 1-based): chr20:4,699,717, T>C. VCF-style: chr20-4699717-T-C. GRCh37 (hg19) VCF-style: chr20-4680363-T-C.
Other names: c.497T>C, p.Met166Thr (NM_001080121.3, NM_001080122.3, NM_001080123.3 and 1 more transcripts); c.*186T>C (NM_001271561.3); short protein forms M166T.
Identifiers: ClinVar variation 896503 (VCV000896503.6), dbSNP rs1419618560, ClinGen allele CA408152480.

ClinVar aggregate classification (germline): Uncertain significance. Review status: criteria provided, multiple submitters, no conflicts (2 of 4 stars). 3 submissions from 3 submitters: Uncertain significance (3). Last evaluated 2025-08-30.

Conditions:
Inborn genetic diseases. Identifiers: MedGen C0950123, MeSH D030342.
Huntington disease-like 1 (HDL1). Also called: HUNTINGTON-LIKE NEURODEGENERATIVE DISORDER 1; HUNTINGTON-LIKE NEURODEGENERATIVE DISORDER, AUTOSOMAL DOMINANT; PRION DISEASE, EARLY-ONSET, WITH PROMINENT PSYCHIATRIC FEATURES. Identifiers: Orphanet 157941, MedGen C1864112, MONDO:0011299, OMIM 603218.
Inherited prion disease. Identifiers: Orphanet 280400, MedGen C5679775, MONDO:0017234.

Allele frequency attached by ClinVar (database versions not stated): gnomAD exomes below 0.00001 and 0.00001; TOPMed 0.00001.

Submissions (3):

Ambry Genetics
Classification: Uncertain significance for Inborn genetic diseases. Last evaluated: 2025-08-30. Review status: criteria provided, single submitter. Criteria: Ambry Variant Classification Scheme 2023. Collection method: clinical testing. Allele origin: germline.

Labcorp Genetics (formerly Invitae), Labcorp
Classification: Uncertain significance for Huntington disease-like 1. Last evaluated: 2025-07-07. Review status: criteria provided, single submitter. Criteria: Invitae Variant Classification Sherloc (09022015). Collection method: clinical testing. Allele origin: germline.
Comment: This sequence change replaces methionine, which is neutral and non-polar, with threonine, which is neutral and polar, at codon 166 of the PRNP protein (p.Met166Thr). This variant is present in population databases (no rsID available, gnomAD 0.003%). This variant has not been reported in the literature in individuals affected with PRNP-related conditions. ClinVar contains an entry for this variant (Variation ID: 896503). Invitae Evidence Modeling of protein sequence and biophysical properties (such as structural, functional, and spatial information, amino acid conservation, physicochemical variation, residue mobility, and thermodynamic stability) indicates that this missense variant is not expected to disrupt PRNP protein function with a negative predictive value of 80%. In summary, the available evidence is currently insufficient to determine the role of this variant in disease. Therefore, it has been classified as a Variant of Uncertain Significance.

Illumina Laboratory Services, Illumina
Classification: Uncertain significance for Genetic prion diseases. Last evaluated: 2018-01-12. Review status: criteria provided, single submitter. Criteria: ICSL Variant Classification Criteria 13 December 2019. Collection method: clinical testing. Allele origin: germline.